The following is an entry in ClinVar:

NM_000554.6(CRX):c.*679G>A

Gene: CRX (cone-rod homeobox; plus strand). Cytogenetic location: 19q13.33.
Variant type: single nucleotide variant.
Coding change: c.*679G>A on transcript NM_000554.6 (MANE Select); 679 bases downstream of the stop codon, G replaced by A.
Molecular consequence: 3 prime UTR variant.
Genome position (GRCh38, 1-based): chr19:47,840,646, G>A. VCF-style: chr19-47840646-G-A. GRCh37 (hg19) VCF-style: chr19-48343903-G-A.
Identifiers: ClinVar variation 329716 (VCV000329716.6), dbSNP rs112202398, ClinGen allele CA10643052.

ClinVar aggregate classification (germline): Benign. Review status: criteria provided, multiple submitters, no conflicts (2 of 4 stars). 4 submissions from 2 submitters: Benign (4). Last evaluated 2018-01-13.

Conditions:
Retinitis pigmentosa (RP). Identifiers: Orphanet 791, MedGen C0035334, MeSH D012174, MONDO:0019200, OMIM 268000. Inheritance: Autosomal dominant, autosomal recessive and X linked inheritance.
Leber congenital amaurosis 7 (LCA7). Identifiers: Orphanet 65, MedGen C3151192, MONDO:0013449, OMIM 613829.
Cone-rod dystrophy 2 (CORD2). Also called: CONE-ROD RETINAL DYSTROPHY; Cone-rod retinal dystrophy 2. Identifiers: Orphanet 1872, MedGen C3489532, MONDO:0007362, OMIM 120970.

Allele frequency attached by ClinVar (database versions not stated): 1000 Genomes Project 0.06929; 1000 Genomes Project 30x 0.06933; TOPMed 0.11070; gnomAD 0.12071 and 0.12090.

Submissions (4):

Illumina Laboratory Services, Illumina
Classification: Benign for Leber congenital amaurosis 7. Last evaluated: 2018-01-13. Review status: criteria provided, single submitter. Criteria: ICSL Variant Classification Criteria 13 December 2019. Collection method: clinical testing. Allele origin: germline.
Comment: This variant was observed in the ICSL laboratory as part of a predisposition screen in an ostensibly healthy population. It had not been previously curated by ICSL or reported in the Human Gene Mutation Database (HGMD: prior to June 1st, 2018), and was therefore a candidate for classification through an automated scoring system. Utilizing variant allele frequency, disease prevalence and penetrance estimates, and inheritance mode, an automated score was calculated to assess if this variant is too frequent to cause the disease. Based on the score and internal cut-off values, a variant classified as benign is not then subjected to further curation. The score for this variant resulted in a classification of benign for this disease.

Illumina Laboratory Services, Illumina
Classification: Benign for Cone-rod dystrophy 2. Last evaluated: 2018-01-13. Review status: criteria provided, single submitter. Criteria: ICSL Variant Classification Criteria 13 December 2019. Collection method: clinical testing. Allele origin: germline.
Comment: the same text as in the submission from Illumina Laboratory Services, Illumina above.

Illumina Laboratory Services, Illumina
Classification: Benign for Retinitis pigmentosa. Last evaluated: 2018-01-13. Review status: criteria provided, single submitter. Criteria: ICSL Variant Classification Criteria 13 December 2019. Collection method: clinical testing. Allele origin: germline.
Comment: the same text as in the submission from Illumina Laboratory Services, Illumina above.

Breakthrough Genomics
Classification: Benign. Review status: criteria provided, single submitter. Criteria: ACMG Guidelines, 2015. Collection method: not provided. Allele origin: germline. Inheritance: Autosomal dominant inheritance. Affected: yes.